The following is an entry in ClinVar:

NM_000260.4(MYO7A):c.5846T>C (p.Ile1949Thr)

Gene: MYO7A (myosin VIIA; plus strand). Cytogenetic location: 11q13.5.
Variant type: single nucleotide variant.
Coding change: c.5846T>C on transcript NM_000260.4 (MANE Select); coding-DNA position 5846, T replaced by C.
Protein change: p.Ile1949Thr; replaces isoleucine 1949 with threonine.
Molecular consequence: missense variant.
Genome position (GRCh38, 1-based): chr11:77,207,392, T>C. VCF-style: chr11-77207392-T-C. GRCh37 (hg19) VCF-style: chr11-76918437-T-C.
Other names: c.5699T>C, p.Ile1900Thr (NM_001369365.1); c.5732T>C, p.Ile1911Thr (NM_001127180.2); short protein forms I1949T, I1900T, I1911T.
Identifiers: ClinVar variation 4708016 (VCV004708016.1).
Genomic context (GRCh38, chr11:77,207,392, plus strand): 5'-AGAACATCGCCACCAGGCTGCTCCTCAAGTCCTCAGAGGGATTCAGCCTCTTTGTCAAAA[T>C]TGCAGACAAGGTGGGTCCTTTGCCACCTTCGCCAAGGTGGGAGATTTGCTGGGGCCATAG-3'
Protein context (NP_000251.3, residues 1939-1959): SSEGFSLFVK[Ile1949Thr]ADKVLSVPEN

ClinVar aggregate classification (germline): Uncertain significance (1 of 4 stars; one submission).

Submission:

Labcorp Genetics (formerly Invitae), Labcorp
Classification: Uncertain significance. Last evaluated: 2025-03-25. Review status: criteria provided, single submitter. Criteria: Invitae Variant Classification Sherloc (09022015). Collection method: clinical testing. Allele origin: germline.
Comment: This sequence change replaces isoleucine, which is neutral and non-polar, with threonine, which is neutral and polar, at codon 1949 of the MYO7A protein (p.Ile1949Thr). This variant is not present in population databases (gnomAD no frequency). This variant has not been reported in the literature in individuals affected with MYO7A-related conditions. Invitae Evidence Modeling of protein sequence and biophysical properties (such as structural, functional, and spatial information, amino acid conservation, physicochemical variation, residue mobility, and thermodynamic stability) has been performed for this missense variant. However, the output from this modeling did not meet the statistical confidence thresholds required to predict the impact of this variant on MYO7A protein function. In summary, the available evidence is currently insufficient to determine the role of this variant in disease. Therefore, it has been classified as a Variant of Uncertain Significance.